The following is an entry in ClinVar:

NM_000551.4(VHL):c.128C>G (p.Ser43Cys)

Gene: VHL (von Hippel-Lindau tumor suppressor; plus strand). Cytogenetic location: 3p25.3.
Variant type: single nucleotide variant.
Coding change: c.128C>G on transcript NM_000551.4 (MANE Select); coding-DNA position 128, C replaced by G.
Protein change: p.Ser43Cys; replaces serine 43 with cysteine.
Molecular consequence: missense variant.
Genome position (GRCh38, 1-based): chr3:10,141,975, C>G. VCF-style: chr3-10141975-C-G. GRCh37 (hg19) VCF-style: chr3-10183659-C-G.
Other names: c.128C>G, p.Ser43Cys (NM_001354723.2, NM_198156.3); short protein forms S43C.
Identifiers: ClinVar variation 1506651 (VCV001506651.6), dbSNP rs202164771, ClinGen allele CA351748024.

ClinVar aggregate classification (germline): Uncertain significance (1 of 4 stars; one submission).

Conditions:
Chuvash polycythemia. Also called: POLYCYTHEMIA, VHL-DEPENDENT. Identifiers: Orphanet 238557, MedGen C1837915, MONDO:0009892, OMIM 263400.
Von Hippel-Lindau syndrome (VHLS). Also called: Von Hippel-Lindau; VHL syndrome; von Hippel–Lindau syndrome. Identifiers: Orphanet 892, MedGen C0019562, MONDO:0008667, OMIM 193300. Disease mechanism: loss of function.

Submission:

Labcorp Genetics (formerly Invitae), Labcorp
Classification: Uncertain significance for Von Hippel-Lindau syndrome; Chuvash polycythemia. Last evaluated: 2021-09-21. Review status: criteria provided, single submitter. Criteria: Invitae Variant Classification Sherloc (09022015). Collection method: clinical testing. Allele origin: germline.
Comment: In summary, the available evidence is currently insufficient to determine the role of this variant in disease. Therefore, it has been classified as a Variant of Uncertain Significance. Advanced modeling of protein sequence and biophysical properties (such as structural, functional, and spatial information, amino acid conservation, physicochemical variation, residue mobility, and thermodynamic stability) performed at Invitae indicates that this missense variant is not expected to disrupt VHL protein function. This variant has not been reported in the literature in individuals affected with VHL-related conditions. The frequency data for this variant in the population databases is considered unreliable, as metrics indicate insufficient coverage at this position in the ExAC database. This sequence change replaces serine with cysteine at codon 43 of the VHL protein (p.Ser43Cys). The serine residue is weakly conserved and there is a moderate physicochemical difference between serine and cysteine.